The following is an entry in ClinVar:

ClinVar aggregate classification (germline): Uncertain significance (1 of 4 stars; one submission).

Submission:

Ambry Genetics
Classification: Uncertain significance. Last evaluated: 2022-07-19. Review status: criteria provided, single submitter. Criteria: Ambry Variant Classification Scheme 2023. Collection method: clinical testing. Allele origin: germline.
Comment: The p.A579V variant (also known as c.1736C>T), located in coding exon 12 of the MYLK2 gene, results from a C to T substitution at nucleotide position 1736. The alanine at codon 579 is replaced by valine, an amino acid with similar properties. This amino acid position is conserved. In addition, this alteration is predicted to be tolerated by in silico analysis. Since supporting evidence is limited at this time, the clinical significance of this alteration remains unclear.

NM_033118.4(MYLK2):c.1736C>T (p.Ala579Val)

Gene: MYLK2 (myosin light chain kinase 2; plus strand). Cytogenetic location: 20q11.21.
Variant type: single nucleotide variant.
Coding change: c.1736C>T on transcript NM_033118.4 (MANE Select); coding-DNA position 1736, C replaced by T.
Protein change: p.Ala579Val; replaces alanine 579 with valine.
Molecular consequence: missense variant.
Genome position (GRCh38, 1-based): chr20:31,833,742, C>T. VCF-style: chr20-31833742-C-T. GRCh37 (hg19) VCF-style: chr20-30421545-C-T.
Other names: short protein forms A579V.
Identifiers: ClinVar variation 1779080 (VCV001779080.2), dbSNP rs2515462954, ClinGen allele CA408528567.